The following is an entry in ClinVar:

NM_005609.4(PYGM):c.1524C>G (p.Ile508Met)

Gene: PYGM (glycogen phosphorylase, muscle associated; minus strand). Cytogenetic location: 11q13.1.
Variant type: single nucleotide variant.
Coding change: c.1524C>G on transcript NM_005609.4 (MANE Select); coding-DNA position 1524, C replaced by G.
Protein change: p.Ile508Met; replaces isoleucine 508 with methionine.
Molecular consequence: missense variant.
Genome position (GRCh38, 1-based): chr11:64,752,499, G>C on the plus strand (C>G on the coding strand, the complement: PYGM is on the minus strand). VCF-style: chr11-64752499-G-C. GRCh37 (hg19) VCF-style: chr11-64519971-G-C.
Other names: c.1260C>G, p.Ile420Met (NM_001164716.1); c.1524C>G (NM_005609.2); short protein forms I420M, I508M.
Identifiers: ClinVar variation 2159853 (VCV002159853.3), dbSNP rs540436223, ClinGen allele CA223899482.

ClinVar aggregate classification (germline): Uncertain significance. Review status: criteria provided, multiple submitters, no conflicts (2 of 4 stars). 2 submissions from 2 submitters: Uncertain significance (2). Last evaluated 2025-12-09.

Conditions:
Glycogen storage disease, type V (GSD5). Also called: PYGM DEFICIENCY; MCARDLE DISEASE; MUSCLE GLYCOGEN PHOSPHORYLASE DEFICIENCY; MYOPHOSPHORYLASE DEFICIENCY; McArdle type glycogen storage disease. Identifiers: Orphanet 368, MedGen C0017924, MONDO:0009293, OMIM 232600.
Inborn genetic diseases. Identifiers: MedGen C0950123, MeSH D030342.

Submissions (2):

Ambry Genetics
Classification: Uncertain significance for Inborn genetic diseases. Last evaluated: 2025-12-09. Review status: criteria provided, single submitter. Criteria: Ambry Variant Classification Scheme 2023. Collection method: clinical testing. Allele origin: germline.

Labcorp Genetics (formerly Invitae), Labcorp
Classification: Uncertain significance for Glycogen storage disease, type V. Last evaluated: 2025-05-05. Review status: criteria provided, single submitter. Criteria: Invitae Variant Classification Sherloc (09022015). Collection method: clinical testing. Allele origin: germline.
Comment: This sequence change replaces isoleucine, which is neutral and non-polar, with methionine, which is neutral and non-polar, at codon 508 of the PYGM protein (p.Ile508Met). This variant is present in population databases (rs540436223, gnomAD 0.02%). This variant has not been reported in the literature in individuals affected with PYGM-related conditions. ClinVar contains an entry for this variant (Variation ID: 2159853). Invitae Evidence Modeling of protein sequence and biophysical properties (such as structural, functional, and spatial information, amino acid conservation, physicochemical variation, residue mobility, and thermodynamic stability) indicates that this missense variant is not expected to disrupt PYGM protein function with a negative predictive value of 80%. In summary, the available evidence is currently insufficient to determine the role of this variant in disease. Therefore, it has been classified as a Variant of Uncertain Significance.